The following is an entry in ClinVar:

ClinVar aggregate classification (germline): Uncertain significance (1 of 4 stars; one submission).

Allele frequency attached by ClinVar (database versions not stated): gnomAD 0.00001; TOPMed 0.00001; gnomAD exomes 0.00002.
gnomAD v4.1: 17 of 1,047,696 alleles (0.0016%); highest among the groups gnomAD compares: South Asian, 0.0019%; no homozygotes.

Submission:

Labcorp Genetics (formerly Invitae), Labcorp
Classification: Uncertain significance. Last evaluated: 2021-08-26. Review status: criteria provided, single submitter. Criteria: Invitae Variant Classification Sherloc (09022015). Collection method: clinical testing. Allele origin: germline.
Comment: This sequence change replaces arginine with histidine at codon 932 of the CACNA1F protein (p.Arg932His). The arginine residue is weakly conserved and there is a small physicochemical difference between arginine and histidine. This variant is not present in population databases (ExAC no frequency). This variant has not been reported in the literature in individuals affected with CACNA1F-related conditions. ClinVar contains an entry for this variant (Variation ID: 951348). Algorithms developed to predict the effect of missense changes on protein structure and function output the following: SIFT: "Deleterious"; PolyPhen-2: "Benign"; Align-GVGD: "Class C0". The histidine amino acid residue is found in multiple mammalian species, which suggests that this missense change does not adversely affect protein function. In summary, the available evidence is currently insufficient to determine the role of this variant in disease. Therefore, it has been classified as a Variant of Uncertain Significance.

NM_001256789.3(CACNA1F):c.2762G>A (p.Arg921His)

Gene: CACNA1F (calcium voltage-gated channel subunit alpha1 F; minus strand). Cytogenetic location: Xp11.23.
Variant type: single nucleotide variant.
Coding change: c.2762G>A on transcript NM_001256789.3 (MANE Select); coding-DNA position 2762, G replaced by A.
Protein change: p.Arg921His; replaces arginine 921 with histidine.
Molecular consequence: missense variant.
Genome position (GRCh38, 1-based): chrX:49,218,707, C>T on the plus strand (G>A on the coding strand, the complement: CACNA1F is on the minus strand). VCF-style: chrX-49218707-C-T. GRCh37 (hg19) VCF-style: chrX-49075166-C-T.
Other names: c.2600G>A, p.Arg867His (NM_001256790.3); c.2795G>A, p.Arg932His (NM_005183.4); short protein forms R867H, R921H, R932H.
Identifiers: ClinVar variation 951348 (VCV000951348.9), dbSNP rs1242467349, ClinGen allele CA412964936.
Genomic context (GRCh38, chrX:49,218,707, plus strand): 5'-AGGGACACACTGACCACCAGCAGATCCAACATATTAAACCAGCTACGGCAGAAGGAGCCG[C>T]GGTGCAGGAAGGCCCCAAACACTGTCATCTGGGGACAGGACAAGAGGCTAGACTCAGACC-3'
Protein context (NP_001243718.1, residues 911-931): KMTVFGAFLH[Arg921His]GSFCRSWFNM